The following is an entry in ClinVar:

NM_000264.5(PTCH1):c.1151A>C (p.His384Pro)

Gene: PTCH1 (patched 1; minus strand). Cytogenetic location: 9q22.32.
Variant type: single nucleotide variant.
Coding change: c.1151A>C on transcript NM_000264.5 (MANE Select); coding-DNA position 1151, A replaced by C.
Protein change: p.His384Pro; replaces histidine 384 with proline.
Molecular consequence: missense variant. On other transcripts: non-coding transcript variant (1).
Genome position (GRCh38, 1-based): chr9:95,479,064, T>G on the plus strand (A>C on the coding strand, the complement: PTCH1 is on the minus strand). VCF-style: chr9-95479064-T-G. GRCh37 (hg19) VCF-style: chr9-98241346-T-G.
Other names: c.953A>C, p.His318Pro (NM_001083602.3); c.1148A>C, p.His383Pro (NM_001083603.3); c.698A>C, p.His233Pro (NM_001083604.3, NM_001083605.3, NM_001083606.3 and 1 more transcripts); c.1151A>C, p.His384Pro (NM_001354918.2); short protein forms H383P, H384P, H318P, H233P.
Identifiers: ClinVar variation 1463621 (VCV001463621.6), dbSNP rs1220687550, ClinGen allele CA374119351.

ClinVar aggregate classification (germline): Uncertain significance (1 of 4 stars; one submission).

Conditions:
Gorlin syndrome. Also called: Nevoid Basal Cell Carcinoma Syndrome; Basal cell nevus syndrome. Identifiers: Orphanet 377, MedGen C0004779, MONDO:0007187.

Submission:

Labcorp Genetics (formerly Invitae), Labcorp
Classification: Uncertain significance for Gorlin syndrome. Last evaluated: 2021-08-09. Review status: criteria provided, single submitter. Criteria: Invitae Variant Classification Sherloc (09022015). Collection method: clinical testing. Allele origin: germline.
Comment: In summary, the available evidence is currently insufficient to determine the role of this variant in disease. Therefore, it has been classified as a Variant of Uncertain Significance. This variant is not present in population databases (ExAC no frequency). This sequence change replaces histidine with proline at codon 384 of the PTCH1 protein (p.His384Pro). The histidine residue is highly conserved and there is a moderate physicochemical difference between histidine and proline. This variant has not been reported in the literature in individuals affected with PTCH1-related conditions. Advanced modeling of protein sequence and biophysical properties (such as structural, functional, and spatial information, amino acid conservation, physicochemical variation, residue mobility, and thermodynamic stability) performed at Invitae indicates that this missense variant is not expected to disrupt PTCH1 protein function.